The following is an entry in ClinVar:

NM_001029883.3(PCARE):c.3550C>G (p.Leu1184Val)

Gene: PCARE (photoreceptor cilium actin regulator; minus strand). Cytogenetic location: 2p23.2.
Variant type: single nucleotide variant.
Coding change: c.3550C>G on transcript NM_001029883.3 (MANE Select); coding-DNA position 3550, C replaced by G.
Protein change: p.Leu1184Val; replaces leucine 1184 with valine.
Molecular consequence: missense variant.
Genome position (GRCh38, 1-based): chr2:29,070,712, G>C on the plus strand (C>G on the coding strand, the complement: PCARE is on the minus strand). VCF-style: chr2-29070712-G-C. GRCh37 (hg19) VCF-style: chr2-29293578-G-C.
Other names: short protein forms L1184V.
Identifiers: ClinVar variation 1970021 (VCV001970021.5), dbSNP rs1667458349, ClinGen allele CA346472926.
Genomic context (GRCh38, chr2:29,070,712, plus strand): 5'-GCGGTCGGCCACCTGGCTGGCGGTCAGAAGCTGTCCTCCTGAGGAAAGGCAGAGGGTTGA[G>C]GGCACACAGAGCTGCTCTCCGCTGCGAGTCTGCTCTCAGCCAAGGCCCTGAGCTGTTCTT-3'
Protein context (NP_001025054.1, residues 1174-1194): DSQRRAALCA[Leu1184Val]NPLPFLRRTA

ClinVar aggregate classification (germline): Uncertain significance (1 of 4 stars; one submission).

Allele frequency attached by ClinVar (database versions not stated): TOPMed below 0.00001; gnomAD 0.00001.

Submission:

Labcorp Genetics (formerly Invitae), Labcorp
Classification: Uncertain significance. Last evaluated: 2022-07-12. Review status: criteria provided, single submitter. Criteria: Invitae Variant Classification Sherloc (09022015). Collection method: clinical testing. Allele origin: germline.
Comment: This variant has not been reported in the literature in individuals affected with PCARE-related conditions. Algorithms developed to predict the effect of missense changes on protein structure and function are either unavailable or do not agree on the potential impact of this missense change (SIFT: "Tolerated"; PolyPhen-2: "Possibly Damaging"; Align-GVGD: "Class C0"). Algorithms developed to predict the effect of sequence changes on RNA splicing suggest that this variant may disrupt the consensus splice site. In summary, the available evidence is currently insufficient to determine the role of this variant in disease. Therefore, it has been classified as a Variant of Uncertain Significance. This variant is not present in population databases (gnomAD no frequency). This sequence change replaces leucine, which is neutral and non-polar, with valine, which is neutral and non-polar, at codon 1184 of the PCARE protein (p.Leu1184Val).